The following is an entry in ClinVar:

NM_006766.5(KAT6A):c.974C>T (p.Ala325Val)

Gene: KAT6A (lysine acetyltransferase 6A; minus strand). Cytogenetic location: 8p11.21.
Variant type: single nucleotide variant.
Coding change: c.974C>T on transcript NM_006766.5 (MANE Select); coding-DNA position 974, C replaced by T.
Protein change: p.Ala325Val; replaces alanine 325 with valine.
Molecular consequence: missense variant.
Genome position (GRCh38, 1-based): chr8:41,978,711, G>A on the plus strand (C>T on the coding strand, the complement: KAT6A is on the minus strand). VCF-style: chr8-41978711-G-A. GRCh37 (hg19) VCF-style: chr8-41836229-G-A.
Other names: c.974C>T, p.Ala325Val (NM_001305878.2); short protein forms A325V.
Identifiers: ClinVar variation 2113625 (VCV002113625.4), dbSNP rs1824194910, ClinGen allele CA371076719.

ClinVar aggregate classification (germline): Uncertain significance (1 of 4 stars; one submission).

Submission:

Labcorp Genetics (formerly Invitae), Labcorp
Classification: Uncertain significance. Last evaluated: 2025-03-18. Review status: criteria provided, single submitter. Criteria: Invitae Variant Classification Sherloc (09022015). Collection method: clinical testing. Allele origin: germline.
Comment: This sequence change replaces alanine, which is neutral and non-polar, with valine, which is neutral and non-polar, at codon 325 of the KAT6A protein (p.Ala325Val). This variant is not present in population databases (gnomAD no frequency). This variant has not been reported in the literature in individuals affected with KAT6A-related conditions. ClinVar contains an entry for this variant (Variation ID: 2113625). Invitae Evidence Modeling of protein sequence and biophysical properties (such as structural, functional, and spatial information, amino acid conservation, physicochemical variation, residue mobility, and thermodynamic stability) indicates that this missense variant is not expected to disrupt KAT6A protein function with a negative predictive value of 95%. In summary, the available evidence is currently insufficient to determine the role of this variant in disease. Therefore, it has been classified as a Variant of Uncertain Significance.